The following is an entry in ClinVar:

ClinVar aggregate classification (germline): Uncertain significance. Review status: criteria provided, multiple submitters, no conflicts (2 of 4 stars). 2 submissions from 2 submitters: Uncertain significance (2). Last evaluated 2022-08-16.

Conditions:
Primary dilated cardiomyopathy (DCM). Also called: Dilated Cardiomyopathy. Identifiers: Orphanet 217604, MedGen C0007193, MeSH D002311, MONDO:0005021, HP:0001644. Inheritance: Various modes of inheritance.

Allele frequency attached by ClinVar (database versions not stated): TOPMed 0.00001.
gnomAD v4.1: 1 of 1,613,968 alleles (0.000062%); highest among the groups gnomAD compares: Non-Finnish European, 0.000085%; no homozygotes.

Submissions (2):

Labcorp Genetics (formerly Invitae), Labcorp
Classification: Uncertain significance for Primary dilated cardiomyopathy. Last evaluated: 2022-08-16. Review status: criteria provided, single submitter. Criteria: Invitae Variant Classification Sherloc (09022015). Collection method: clinical testing. Allele origin: germline.
Comment: This variant has not been reported in the literature in individuals affected with NEBL-related conditions. This sequence change replaces leucine, which is neutral and non-polar, with valine, which is neutral and non-polar, at codon 704 of the NEBL protein (p.Leu704Val). This variant is present in population databases (rs751282061, gnomAD 0.0009%). ClinVar contains an entry for this variant (Variation ID: 842517). Algorithms developed to predict the effect of missense changes on protein structure and function are either unavailable or do not agree on the potential impact of this missense change (SIFT: "Tolerated"; PolyPhen-2: "Probably Damaging"; Align-GVGD: "Class C0"). Algorithms developed to predict the effect of sequence changes on RNA splicing suggest that this variant may create or strengthen a splice site. In summary, the available evidence is currently insufficient to determine the role of this variant in disease. Therefore, it has been classified as a Variant of Uncertain Significance.

Ambry Genetics
Classification: Uncertain significance. Last evaluated: 2021-09-27. Review status: criteria provided, single submitter. Criteria: Ambry Variant Classification Scheme 2023. Collection method: clinical testing. Allele origin: germline.

NM_006393.3(NEBL):c.2110C>G (p.Leu704Val)

Genes: NEBL (nebulette; minus strand), LOC126860875 (MED14-independent group 3 enhancer GRCh37_chr10:21105746-21106945; plus strand). Cytogenetic location: 10p12.31.
Variant type: single nucleotide variant.
Coding change: c.2110C>G on transcript NM_006393.3 (MANE Select); coding-DNA position 2110, C replaced by G.
Protein change: p.Leu704Val; replaces leucine 704 with valine.
Molecular consequence: missense variant. On other transcripts: intron variant (9).
Genome position (GRCh38, 1-based): chr10:20,817,638, G>C on the plus strand (C>G on the coding strand, the complement: NEBL is on the minus strand). VCF-style: chr10-20817638-G-C. GRCh37 (hg19) VCF-style: chr10-21106567-G-C.
Other names: c.250-4698C>G (NM_001377326.1, NM_001377327.1, NM_001377328.1); c.358-4698C>G (NM_213569.2, NM_001173484.2, NM_001377322.1); c.301-4698C>G (NM_001377324.1); c.292-4698C>G (NM_001377325.1); c.310-4698C>G (NM_001377323.1); short protein forms L704V.
Identifiers: ClinVar variation 842517 (VCV000842517.11), dbSNP rs751282061, ClinGen allele CA5432607.
Genomic context (GRCh38, chr10:20,817,638, plus strand): 5'-AAAGTTACTAAGATGATCACACATTGCTGATGTTTTTCTGGTTTTCTTTTGCCCTCTTCA[G>C]CTCTGGTGGATCAGAAATTGCAGTTCCCCGTTGAAGTTCTCCCTTATATTTTACCTAAGA-3'
Protein context (NP_006384.1, residues 694-714): RGTAISDPPE[Leu704Val]KRAKENQKNI